The following is an entry in ClinVar:

NM_001267550.2(TTN):c.85396G>A (p.Glu28466Lys)

Genes: TTN (titin; minus strand), TTN-AS1 (TTN antisense RNA 1; plus strand). Cytogenetic location: 2q31.2.
Variant type: single nucleotide variant.
Coding change: c.85396G>A on transcript NM_001267550.2 (MANE Select); coding-DNA position 85396, G replaced by A.
Protein change: p.Glu28466Lys; replaces glutamic acid 28466 with lysine.
Molecular consequence: missense variant.
Genome position (GRCh38, 1-based): chr2:178,560,736, C>T on the plus strand (G>A on the coding strand, the complement: TTN is on the minus strand). VCF-style: chr2-178560736-C-T. GRCh37 (hg19) VCF-style: chr2-179425463-C-T.
Other names: c.80473G>A, p.Glu26825Lys (NM_001256850.1); c.58201G>A, p.Glu19401Lys (NM_003319.4); c.77692G>A, p.Glu25898Lys (NM_133378.4); c.58576G>A, p.Glu19526Lys (NM_133432.3); c.58777G>A, p.Glu19593Lys (NM_133437.4); short protein forms E19401K, E19526K, E19593K, E25898K, E26825K, E28466K.
Identifiers: ClinVar variation 3032598 (VCV003032598.3), dbSNP rs878880701, ClinGen allele CA60984709.

ClinVar aggregate classification (germline): Likely benign. Review status: criteria provided, single submitter (1 of 4 stars). 2 submissions from 2 submitters: Likely benign (1). 1 of the submissions does not count toward it. Last evaluated 2023-12-27.

Conditions:
TTN-related disorder. Also called: TTN-related condition; TTN-related disease; TTN-related disorders.

Allele frequency attached by ClinVar (database versions not stated): gnomAD exomes below 0.00001; TOPMed 0.00002.
gnomAD v4.1: 5 of 1,613,740 alleles (0.00031%); highest among the groups gnomAD compares: Non-Finnish European, 0.00034%; no homozygotes.

Submissions (2):

Blueprint Genetics
Classification: Likely benign. Last evaluated: 2023-12-27. Review status: criteria provided, single submitter. Criteria: ACMG Guidelines, 2015. Collection method: clinical testing. Allele origin: germline.

PreventionGenetics, part of Exact Sciences
Classification: Uncertain significance for TTN-related condition. Last evaluated: 2023-11-15. Review status: no assertion criteria provided. Collection method: clinical testing. Allele origin: germline. Not counted in ClinVar's aggregate classification.
Comment: The TTN c.85396G>A variant is predicted to result in the amino acid substitution p.Glu28466Lys. To our knowledge, this variant has not been reported in the literature. This variant is reported in 0.00089% of alleles in individuals of European (Non-Finnish) descent in gnomAD. At this time, the clinical significance of this variant is uncertain due to the absence of conclusive functional and genetic evidence.